The following is an entry in ClinVar:

NM_005029.4(PITX3):c.511C>G (p.Pro171Ala)

Genes: GBF1 (golgi brefeldin A resistant guanine nucleotide exchange factor 1; plus strand), PITX3 (paired like homeodomain 3; minus strand). Cytogenetic location: 10q24.32.
Variant type: single nucleotide variant.
Coding change: c.511C>G on transcript NM_005029.4 (MANE Select); coding-DNA position 511, C replaced by G.
Protein change: p.Pro171Ala; replaces proline 171 with alanine.
Molecular consequence: missense variant. On other transcripts: 5 prime UTR variant (2).
Genome position (GRCh38, 1-based): chr10:102,230,912, G>C on the plus strand (C>G on the coding strand, the complement: PITX3 is on the minus strand). VCF-style: chr10-102230912-G-C. GRCh37 (hg19) VCF-style: chr10-103990669-G-C.
Other names: c.-15G>C (NM_001391923.1); c.-153G>C (NM_001391924.1); short protein forms P171A.
Identifiers: ClinVar variation 4716613 (VCV004716613.1).

ClinVar aggregate classification (germline): Uncertain significance (1 of 4 stars; one submission).

gnomAD v4.1: 1 of 1,612,150 alleles (0.000062%); highest among the groups gnomAD compares: Admixed American, 0.0017%; no homozygotes.

Submission:

Labcorp Genetics (formerly Invitae), Labcorp
Classification: Uncertain significance. Last evaluated: 2025-12-28. Review status: criteria provided, single submitter. Criteria: Invitae Variant Classification Sherloc (09022015). Collection method: clinical testing. Allele origin: germline.
Comment: This sequence change replaces proline, which is neutral and non-polar, with alanine, which is neutral and non-polar, at codon 171 of the PITX3 protein (p.Pro171Ala). This variant is present in population databases (no rsID available, gnomAD 0.003%). This variant has not been reported in the literature in individuals affected with PITX3-related conditions. An algorithm developed to predict the effect of missense changes on protein structure and function (PolyPhen-2) suggests that this variant is likely to be disruptive. In summary, the available evidence is currently insufficient to determine the role of this variant in disease. Therefore, it has been classified as a Variant of Uncertain Significance.